The following is an entry in ClinVar:

ClinVar aggregate classification (germline): Uncertain significance (1 of 4 stars; one submission).

Conditions:
Candidiasis, familial, 9 (CANDF9). Identifiers: Orphanet 1334, MedGen C4225324, MONDO:0014642, OMIM 616445.

Allele frequency attached by ClinVar (database versions not stated): gnomAD exomes below 0.00001.
gnomAD v4.1: 4 of 1,607,382 alleles (0.00025%); highest among the groups gnomAD compares: Non-Finnish European, 0.00034%; no homozygotes.

Submission:

Labcorp Genetics (formerly Invitae), Labcorp
Classification: Uncertain significance for Candidiasis, familial, 9. Last evaluated: 2023-07-28. Review status: criteria provided, single submitter. Criteria: Invitae Variant Classification Sherloc (09022015). Collection method: clinical testing. Allele origin: germline.
Comment: In summary, the available evidence is currently insufficient to determine the role of this variant in disease. Therefore, it has been classified as a Variant of Uncertain Significance. An algorithm developed to predict the effect of missense changes on protein structure and function (PolyPhen-2) suggests that this variant is likely to be tolerated. This variant has not been reported in the literature in individuals affected with IL17RC-related conditions. This variant is present in population databases (no rsID available, gnomAD 0.0009%). This sequence change replaces proline, which is neutral and non-polar, with leucine, which is neutral and non-polar, at codon 365 of the IL17RC protein (p.Pro365Leu).

NM_153460.4(IL17RC):c.881C>T (p.Pro294Leu)

Gene: IL17RC (interleukin 17 receptor C; plus strand). Cytogenetic location: 3p25.3.
Variant type: single nucleotide variant.
Coding change: c.881C>T on transcript NM_153460.4 (MANE Select); coding-DNA position 881, C replaced by T.
Protein change: p.Pro294Leu; replaces proline 294 with leucine.
Molecular consequence: missense variant. On other transcripts: non-coding transcript variant (1).
Genome position (GRCh38, 1-based): chr3:9,928,308, C>T. VCF-style: chr3-9928308-C-T. GRCh37 (hg19) VCF-style: chr3-9969992-C-T.
Other names: c.881C>T, p.Pro294Leu (NM_001203263.2, NM_001203264.2); c.836C>T, p.Pro279Leu (NM_001203265.2, NM_001367280.1, NM_001410711.1 and 1 more transcripts); c.842C>T, p.Pro281Leu (NM_001367278.1); c.761C>T, p.Pro254Leu (NM_001367279.1); c.1094C>T, p.Pro365Leu (NM_153461.4); short protein forms P254L, P279L, P365L, P294L, P281L.
Identifiers: ClinVar variation 2717719 (VCV002717719.3), dbSNP rs1380883510, ClinGen allele CA351761265.